The following is an entry in ClinVar:

NM_001458.5(FLNC):c.4969C>G (p.Arg1657Gly)

Gene: FLNC (filamin C; plus strand). Cytogenetic location: 7q32.1.
Variant type: single nucleotide variant.
Coding change: c.4969C>G on transcript NM_001458.5 (MANE Select); coding-DNA position 4969, C replaced by G.
Protein change: p.Arg1657Gly; replaces arginine 1657 with glycine.
Molecular consequence: missense variant.
Genome position (GRCh38, 1-based): chr7:128,849,348, C>G. VCF-style: chr7-128849348-C-G. GRCh37 (hg19) VCF-style: chr7-128489402-C-G.
Other names: c.4969C>G, p.Arg1657Gly (NM_001127487.2); short protein forms R1657G.
Identifiers: ClinVar variation 1012066 (VCV001012066.10), dbSNP rs1563000044, ClinGen allele CA369203896.

ClinVar aggregate classification (germline): Uncertain significance. Review status: criteria provided, multiple submitters, no conflicts (2 of 4 stars). 3 submissions from 3 submitters: Uncertain significance (3). Last evaluated 2022-06-27.

Conditions:
Dilated Cardiomyopathy, Dominant.
Hypertrophic cardiomyopathy 26. Also called: Cardiomyopathy, familial hypertrophic, 26. Identifiers: Orphanet 75249, MedGen C4310749, MONDO:0014883, OMIM 617047.
Distal myopathy with posterior leg and anterior hand involvement. Also called: WILLIAMS DISTAL MYOPATHY. Identifiers: Orphanet 63273, MedGen C3279722, MONDO:0013550, OMIM 614065.
Myofibrillar myopathy 5. Also called: FILAMINOPATHY, AUTOSOMAL DOMINANT; Filaminopathy (type). Identifiers: Orphanet 171445, MedGen C1836050, MONDO:0012289, OMIM 609524.

gnomAD v4.1: 5 of 1,614,058 alleles (0.00031%); highest among the groups gnomAD compares: South Asian, 0.0011%; no homozygotes.

Submissions (3):

GeneDx
Classification: Uncertain significance. Last evaluated: 2022-06-27. Review status: criteria provided, single submitter. Criteria: GeneDx Variant Classification Process June 2021. Collection method: clinical testing. Allele origin: germline. Affected: yes.
Comment: Not observed at significant frequency in large population cohorts (gnomAD); In silico analysis supports that this missense variant does not alter protein structure/function; Has not been previously published as pathogenic or benign to our knowledge

Labcorp Genetics (formerly Invitae), Labcorp
Classification: Uncertain significance for Distal myopathy with posterior leg and anterior hand involvement; Myofibrillar myopathy 5; Hypertrophic cardiomyopathy 26. Last evaluated: 2022-04-04. Review status: criteria provided, single submitter. Criteria: Invitae Variant Classification Sherloc (09022015). Collection method: clinical testing. Allele origin: germline.
Comment: This sequence change replaces arginine, which is basic and polar, with glycine, which is neutral and non-polar, at codon 1657 of the FLNC protein (p.Arg1657Gly). In summary, the available evidence is currently insufficient to determine the role of this variant in disease. Therefore, it has been classified as a Variant of Uncertain Significance. Algorithms developed to predict the effect of missense changes on protein structure and function (SIFT, PolyPhen-2, Align-GVGD) all suggest that this variant is likely to be tolerated. ClinVar contains an entry for this variant (Variation ID: 1012066). This variant has not been reported in the literature in individuals affected with FLNC-related conditions. This variant is not present in population databases (gnomAD no frequency).

Victorian Clinical Genetics Services, Murdoch Childrens Research Institute
Classification: Uncertain significance for Hypertrophic cardiomyopathy 26. Last evaluated: 2020-05-26. Review status: criteria provided, single submitter. Criteria: ACMG Guidelines, 2015. Collection method: clinical testing. Allele origin: germline. Inheritance: Autosomal dominant inheritance. Affected: yes.
Comment: Based on the classification scheme VCGS_Germline_v1.1.1, this variant is classified as 3B-VUS. Following criteria are met: 0103 - Both loss- and gain-of-function are known mechanisms of disease for this gene (PMID: 23109048). (N) 0107 - This gene is known to be associated with autosomal dominant disease. (N) 0112 - Variants in this gene are known to have reduced penetrance for cardiomyopathy (OMIM). (N) 0200 - Variant is predicted to result in a missense amino acid change from arginine to glycine (exon 30). (N) 0251 - Variant is heterozygous. (N) 0301 - Variant is absent from gnomAD. (P) 0309 - Multiple alternative amino acid changes at the same position have been observed in gnomAD (highest allele count: 29 Heterozygous, 0 Homozygous). (N) 0502 - Missense variant with conflicting in silico predictions and moderate conservation. (N) 0600 - Variant is located in an annotated domain or motif (NCBI conserved domain). (N) 0705 - No comparable variants have previous evidence for pathogenicity. (N) 0807 - Variant has not previously been reported in a clinical context. (N) 0905 - No segregation evidence has been identified for this variant. (N) 1007 - No published functional evidence has been identified for this variant in the literature. (N) 1208 - Segregation information for this variant is not currently available. (N) Legend: (P) - Pathogenic, (N) - Neutral, (B) - Benign

Literature cited by the submitters: PubMed 23109048 (cited by Victorian Clinical Genetics Services, Murdoch Childrens Research Institute).